The following is an entry in ClinVar:

ClinVar aggregate classification (germline): Conflicting classifications of pathogenicity. Review status: criteria provided, conflicting classifications (1 of 4 stars). 6 submissions from 6 submitters: Uncertain significance (5); Benign (1). Last evaluated 2025-05-15.

Conditions:
Hereditary cancer-predisposing syndrome. Also called: Tumor predisposition; Neoplastic Syndromes, Hereditary; Hereditary Cancer Syndrome; Hereditary neoplastic syndrome. Identifiers: Orphanet 140162, MedGen C0027672, MeSH D009386, MONDO:0015356.
Tuberous sclerosis syndrome (TSC). Also called: Tuberous Sclerosis Complex; Tuberous sclerosis. Identifiers: Orphanet 805, MedGen C0041341, MONDO:0001734.
Tuberous sclerosis 2 (TSC2). Identifiers: Orphanet 805, MedGen C1860707, MONDO:0013199, OMIM 613254.

Allele frequency attached by ClinVar (database versions not stated): TOPMed below 0.00001.
gnomAD v4.1: 2 of 1,613,690 alleles (0.00012%); highest among the groups gnomAD compares: Non-Finnish European, 0.00017%; no homozygotes.

Submissions (6):

Labcorp Genetics (formerly Invitae), Labcorp
Classification: Benign for Tuberous sclerosis 2. Last evaluated: 2025-05-15. Review status: criteria provided, single submitter. Criteria: Invitae Variant Classification Sherloc (09022015). Collection method: clinical testing. Allele origin: germline.

Ambry Genetics
Classification: Uncertain significance for Hereditary cancer-predisposing syndrome. Last evaluated: 2025-03-14. Review status: criteria provided, single submitter. Criteria: Ambry Variant Classification Scheme 2023. Collection method: clinical testing. Allele origin: germline.
Comment: The p.L764M variant (also known as c.2290C>A), located in coding exon 20 of the TSC2 gene, results from a C to A substitution at nucleotide position 2290. The leucine at codon 764 is replaced by methionine, an amino acid with highly similar properties. This variant was detected as heterozygous in individual(s) with no reported features of Tuberous sclerosis (Ambry internal data).This amino acid position is highly conserved in available vertebrate species. In addition, the in silico prediction for this alteration is inconclusive. Based on the available evidence, the clinical significance of this variant remains unclear.

Color Diagnostics, LLC DBA Color Health
Classification: Uncertain significance for Tuberous sclerosis syndrome. Last evaluated: 2024-03-06. Review status: criteria provided, single submitter. Criteria: ACMG Guidelines, 2015. Collection method: clinical testing. Allele origin: germline.
Comment: This missense variant replaces leucine with methionine at codon 764 of the TSC2 protein. Computational prediction is inconclusive regarding the impact of this variant on protein structure and function. To our knowledge, functional studies have not been reported for this variant. This variant has not been reported in individuals affected with tuberous sclerosis complex in the literature. This variant has been identified in 1/251062 chromosomes in the general population by the Genome Aggregation Database (gnomAD). The available evidence is insufficient to determine the role of this variant in disease conclusively. Therefore, this variant is classified as a Variant of Uncertain Significance.

All of Us Research Program, National Institutes of Health
Classification: Uncertain significance for Tuberous sclerosis syndrome. Last evaluated: 2023-08-23. Review status: criteria provided, single submitter. Criteria: ACMG Guidelines, 2015. Collection method: clinical testing. Allele origin: germline. Inheritance: Autosomal dominant inheritance. Observed: 2 variant alleles, 2 heterozygotes.
Comment: This missense variant replaces leucine with methionine at codon 764 of the TSC2 protein. Computational prediction is inconclusive regarding the impact of this variant on protein structure and function (internally defined REVEL score threshold 0.5 < inconclusive < 0.7, PMID: 27666373). To our knowledge, functional studies have not been reported for this variant. This variant has not been reported in individuals affected with tuberous sclerosis complex in the literature. This variant has been identified in 1/251062 chromosomes in the general population by the Genome Aggregation Database (gnomAD). The available evidence is insufficient to determine the role of this variant in disease conclusively. Therefore, this variant is classified as a Variant of Uncertain Significance.

This study involves interpretation of variants in research participants for the purpose of population health screening. Participant phenotype was not available at the time of variant classification. Additional details can be found in publication PMID: 35346344, PMCID: PMC8962531

Genome-Nilou Lab
Classification: Uncertain significance for Tuberous sclerosis 2. Last evaluated: 2021-11-07. Review status: criteria provided, single submitter. Criteria: ACMG Guidelines, 2015. Collection method: clinical testing. Allele origin: germline. Affected: no.

GeneDx
Classification: Uncertain significance. Last evaluated: 2019-06-06. Review status: criteria provided, single submitter. Criteria: GeneDx Variant Classification Process June 2021. Collection method: clinical testing. Allele origin: germline. Affected: yes.
Comment: In silico analysis, which includes protein predictors and evolutionary conservation, supports that this variant does not alter protein structure/function; Has not been previously published as pathogenic or benign to our knowledge

NM_000548.5(TSC2):c.2290C>A (p.Leu764Met)

Gene: TSC2 (TSC complex subunit 2; plus strand). Cytogenetic location: 16p13.3.
Variant type: single nucleotide variant.
Coding change: c.2290C>A on transcript NM_000548.5 (MANE Select); coding-DNA position 2290, C replaced by A.
Protein change: p.Leu764Met; replaces leucine 764 with methionine.
Molecular consequence: missense variant.
Genome position (GRCh38, 1-based): chr16:2,072,918, C>A. VCF-style: chr16-2072918-C-A. GRCh37 (hg19) VCF-style: chr16-2122919-C-A.
Other names: c.2290C>A, p.Leu764Met (NM_001077183.3, NM_001114382.3, NM_001363528.2 and 3 more transcripts); c.2179C>A, p.Leu727Met (NM_001318827.2); c.2143C>A, p.Leu715Met (NM_001318829.2); c.1690C>A, p.Leu564Met (NM_001318831.2); c.2323C>A, p.Leu775Met (NM_001318832.2); short protein forms L764M, L727M, L564M, L775M, L715M.
Identifiers: ClinVar variation 406028 (VCV000406028.18), dbSNP rs777614710, ClinGen allele CA16615073.